The following is an entry in ClinVar:

NM_000070.3(CAPN3):c.1963C>T (p.Arg655Trp)

Gene: CAPN3 (calpain 3; plus strand). Cytogenetic location: 15q15.1.
Variant type: single nucleotide variant.
Coding change: c.1963C>T on transcript NM_000070.3 (MANE Select); coding-DNA position 1963, C replaced by T.
Protein change: p.Arg655Trp; replaces arginine 655 with tryptophan.
Molecular consequence: missense variant. On other transcripts: 5 prime UTR variant (2).
Genome position (GRCh38, 1-based): chr15:42,409,351, C>T. VCF-style: chr15-42409351-C-T. GRCh37 (hg19) VCF-style: chr15-42701549-C-T.
Other names: c.1963C>T (NM_000070.2); c.1945C>T, p.Arg649Trp (NM_024344.2); c.1687C>T, p.Arg563Trp (NM_173087.2); c.427C>T, p.Arg143Trp (NM_173088.2); c.-33C>T (NM_173089.2, NM_173090.2); c.*1061C>T (NM_212464.2); c.*1638C>T (NM_212467.2); short protein forms R563W, R655W, R143W, R649W.
Identifiers: ClinVar variation 2175466 (VCV002175466.2), dbSNP rs773879476, ClinGen allele CA7511627.

ClinVar aggregate classification (germline): Uncertain significance. Review status: criteria provided, multiple submitters, no conflicts (2 of 4 stars). 2 submissions from 2 submitters: Uncertain significance (2). Last evaluated 2025-05-19.

Conditions:
Autosomal recessive limb-girdle muscular dystrophy type 2A (LGMDR1). Also called: LEYDEN-MOEBIUS MUSCULAR DYSTROPHY; MUSCULAR DYSTROPHY, PELVOFEMORAL; Limb-girdle muscular dystrophy, type 2A; Calpainopathy; Muscular dystrophy, limb-girdle, type 2A, Amish. Identifiers: Orphanet 267, MedGen C1869123, MONDO:0009675, OMIM 253600. Disease mechanism: loss of function.
Inborn genetic diseases. Identifiers: MedGen C0950123, MeSH D030342.

Allele frequency attached by ClinVar (database versions not stated): gnomAD 0.00001; TOPMed 0.00001; ExAC 0.00003.
gnomAD v4.1: 32 of 1,614,074 alleles (0.002%); highest among the groups gnomAD compares: South Asian, 0.011%; no homozygotes.

Submissions (2):

Ambry Genetics
Classification: Uncertain significance for Inborn genetic diseases. Last evaluated: 2025-05-19. Review status: criteria provided, single submitter. Criteria: Ambry Variant Classification Scheme 2023. Collection method: clinical testing. Allele origin: germline.

Labcorp Genetics (formerly Invitae), Labcorp
Classification: Uncertain significance for Autosomal recessive limb-girdle muscular dystrophy type 2A. Last evaluated: 2022-01-14. Review status: criteria provided, single submitter. Criteria: Invitae Variant Classification Sherloc (09022015). Collection method: clinical testing. Allele origin: germline.
Comment: This sequence change replaces arginine, which is basic and polar, with tryptophan, which is neutral and slightly polar, at codon 655 of the CAPN3 protein (p.Arg655Trp). This variant is present in population databases (rs773879476, gnomAD 0.01%). This variant has not been reported in the literature in individuals affected with CAPN3-related conditions. Algorithms developed to predict the effect of missense changes on protein structure and function are either unavailable or do not agree on the potential impact of this missense change (SIFT: "Deleterious"; PolyPhen-2: "Benign"; Align-GVGD: "Class C25"). In summary, the available evidence is currently insufficient to determine the role of this variant in disease. Therefore, it has been classified as a Variant of Uncertain Significance.